The following is an entry in ClinVar:

NM_025136.4(OPA3):c.308G>A (p.Arg103His)

Genes: OPA3 (outer mitochondrial membrane lipid metabolism regulator OPA3; minus strand), OPA3-RTN2 (OPA3-RTN2 readthrough; minus strand). Cytogenetic location: 19q13.32.
Variant type: single nucleotide variant.
Coding change: c.308G>A on transcript NM_025136.4 (MANE Select); coding-DNA position 308, G replaced by A.
Protein change: p.Arg103His; replaces arginine 103 with histidine.
Molecular consequence: missense variant. On other transcripts: intron variant (1).
Genome position (GRCh38, 1-based): chr19:45,553,746, C>T on the plus strand (G>A on the coding strand, the complement: OPA3 is on the minus strand). VCF-style: chr19-45553746-C-T. GRCh37 (hg19) VCF-style: chr19-46057004-C-T.
Other names: c.143-24290G>A (NM_001017989.3); short protein forms R103H.
Identifiers: ClinVar variation 3382115 (VCV003382115.2).

ClinVar aggregate classification (germline): Uncertain significance (1 of 4 stars; one submission).

Conditions:
Optic atrophy 3 (OPA3). Also called: OPTIC ATROPHY 3, AUTOSOMAL DOMINANT; Optic atrophy, cataract, and neurologic disorder; Optic atrophy 3 with cataract. Identifiers: Orphanet 67036, MedGen C1833809, MONDO:0008133, OMIM 165300.
3-Methylglutaconic aciduria type 3 (MGCA3). Also called: OPA3, AUTOSOMAL RECESSIVE; OPTIC ATROPHY 3, AUTOSOMAL RECESSIVE; Costeff Syndrome; OPA3-Related 3-Methylglutaconic Aciduria. Identifiers: Orphanet 67047, MedGen C0574084, MONDO:0009787, OMIM 258501.

gnomAD v4.1: 1 of 1,611,682 alleles (0.000062%); highest among the groups gnomAD compares: Non-Finnish European, 0.000085%; no homozygotes.

Submission:

Juno Genomics, Hangzhou Juno Genomics, Inc
Classification: Uncertain significance for 3-Methylglutaconic aciduria type 3; Optic atrophy 3. Review status: criteria provided, single submitter. Criteria: ACMG Guidelines, 2015. Collection method: clinical testing. Allele origin: germline. Affected: yes.
Comment: Absent from controls (or at extremely low frequency if recessive) in Genome Aggregation Database, Exome Sequencing Project, 1000 Genomes Project, or Exome Aggregation Consortium.;Multiple lines of computational evidence support a deleterious effect on the gene or gene product (conservation, evolutionary, splicing impact, etc).;Assumed de novo, but without confirmation of paternity and maternity.;Patient's phenotype or family history is highly specific for a disease with a single genetic etiology.